The following is an entry in ClinVar:

NM_002485.5(NBN):c.1682A>C (p.Glu561Ala)

Gene: NBN (nibrin; minus strand). Cytogenetic location: 8q21.3.
Variant type: single nucleotide variant.
Coding change: c.1682A>C on transcript NM_002485.5 (MANE Select); coding-DNA position 1682, A replaced by C.
Protein change: p.Glu561Ala; replaces glutamic acid 561 with alanine.
Molecular consequence: missense variant.
Genome position (GRCh38, 1-based): chr8:89,953,407, T>G on the plus strand (A>C on the coding strand, the complement: NBN is on the minus strand). VCF-style: chr8-89953407-T-G. GRCh37 (hg19) VCF-style: chr8-90965635-T-G.
Other names: c.1436A>C, p.Glu479Ala (NM_001024688.3); short protein forms E561A, E479A.
Identifiers: ClinVar variation 654244 (VCV000654244.8), dbSNP rs1586053460, ClinGen allele CA371655328.

ClinVar aggregate classification (germline): Uncertain significance (1 of 4 stars; one submission).

Conditions:
Microcephaly, normal intelligence and immunodeficiency (NBS). Also called: BERLIN BREAKAGE SYNDROME; Immunodeficiency, microcephaly with normal intelligence; SEEMANOVA SYNDROME II; Ataxia telangiectasia variant V1; Nijmegen breakage syndrome; IMMUNODEFICIENCY, MICROCEPHALY, AND CHROMOSOMAL INSTABILITY. Identifiers: Orphanet 647, MedGen C0398791, MONDO:0009623, OMIM 251260.

Submission:

Labcorp Genetics (formerly Invitae), Labcorp
Classification: Uncertain significance for Microcephaly, normal intelligence and immunodeficiency. Last evaluated: 2018-07-14. Review status: criteria provided, single submitter. Criteria: Invitae Variant Classification Sherloc (09022015). Collection method: clinical testing. Allele origin: germline.
Comment: Algorithms developed to predict the effect of missense changes on protein structure and function (SIFT, PolyPhen-2, Align-GVGD) all suggest that this variant is likely to be tolerated, but these predictions have not been confirmed by published functional studies and their clinical significance is uncertain. In summary, the available evidence is currently insufficient to determine the role of this variant in disease. Therefore, it has been classified as a Variant of Uncertain Significance. This variant has not been reported in the literature in individuals with NBN-related disease. This variant is not present in population databases (ExAC no frequency). This sequence change replaces glutamic acid with alanine at codon 561 of the NBN protein (p.Glu561Ala). The glutamic acid residue is moderately conserved and there is a moderate physicochemical difference between glutamic acid and alanine.